The following is an entry in ClinVar:

NM_018979.4(WNK1):c.3127T>C (p.Ser1043Pro)

Gene: WNK1 (WNK lysine deficient protein kinase 1; plus strand). Cytogenetic location: 12p13.33.
Variant type: single nucleotide variant.
Coding change: c.3127T>C on transcript NM_018979.4 (MANE Select); coding-DNA position 3127, T replaced by C.
Protein change: p.Ser1043Pro; replaces serine 1043 with proline.
Molecular consequence: missense variant.
Genome position (GRCh38, 1-based): chr12:881,707, T>C. VCF-style: chr12-881707-T-C. GRCh37 (hg19) VCF-style: chr12-990873-T-C.
Other names: c.3907T>C, p.Ser1303Pro (NM_001184985.2); c.2386T>C, p.Ser796Pro (NM_014823.3); c.3883T>C, p.Ser1295Pro (NM_213655.5); short protein forms S1043P, S796P, S1295P, S1303P.
Identifiers: ClinVar variation 2930557 (VCV002930557.3), dbSNP rs2548986203, ClinGen allele CA383327493.
Genomic context (GRCh38, chr12:881,707, plus strand): 5'-TAAATCTATTACTACCGAGATTTGAGTTATCTTTTCGATTCACAGAGTACTCAGGGAGTC[T>C]CTCAGGTTGCTCCTGCAGAGCCAGTTGCAGTAGCACAGACCCAAGCTACCCAGCCGACCA-3'
Protein context (NP_061852.3, residues 1033-1053): QAVLESTQGV[Ser1043Pro]QVAPAEPVAV

ClinVar aggregate classification (germline): Uncertain significance (1 of 4 stars; one submission).

Conditions:
Neuropathy, hereditary sensory and autonomic, type 2A (HSAN2A). Also called: HSAN IIA; WNK1-Related HSAN2 (HSAN2A); ACROOSTEOLYSIS, GIACCAI TYPE; ACROOSTEOLYSIS, NEUROGENIC; MORVAN DISEASE; NEUROPATHY, CONGENITAL SENSORY. Identifiers: Orphanet 970, MedGen C2752089, MONDO:0024309, OMIM 201300.
Pseudohypoaldosteronism type 2C (PHA2C). Also called: Pseudohypoaldosteronism Type IIC. Identifiers: Orphanet 757, Orphanet 88940, MedGen C1840391, MONDO:0013778, OMIM 614492.

Allele frequency attached by ClinVar (database versions not stated): gnomAD exomes below 0.00001.
gnomAD v4.1: 1 of 1,614,084 alleles (0.000062%); highest among the groups gnomAD compares: South Asian, 0.0011%; no homozygotes.

Submission:

Labcorp Genetics (formerly Invitae), Labcorp
Classification: Uncertain significance for Neuropathy, hereditary sensory and autonomic, type 2A; Pseudohypoaldosteronism type 2C. Last evaluated: 2023-08-17. Review status: criteria provided, single submitter. Criteria: Invitae Variant Classification Sherloc (09022015). Collection method: clinical testing. Allele origin: germline.
Comment: In summary, the available evidence is currently insufficient to determine the role of this variant in disease. Therefore, it has been classified as a Variant of Uncertain Significance. Advanced modeling of protein sequence and biophysical properties (such as structural, functional, and spatial information, amino acid conservation, physicochemical variation, residue mobility, and thermodynamic stability) performed at Invitae indicates that this missense variant is not expected to disrupt WNK1 protein function. This variant has not been reported in the literature in individuals affected with WNK1-related conditions. This variant is not present in population databases (gnomAD no frequency). This sequence change replaces serine, which is neutral and polar, with proline, which is neutral and non-polar, at codon 1295 of the WNK1 protein (p.Ser1295Pro).